The following is an entry in ClinVar:

ClinVar aggregate classification (germline): Conflicting classifications of pathogenicity. Review status: criteria provided, conflicting classifications (1 of 4 stars). 6 submissions from 3 submitters: Uncertain significance (4); Likely benign (2). Last evaluated 2026-05-13.

Conditions:
Neurofibromatosis, familial spinal (FSNF). Identifiers: Orphanet 636, MedGen C1834235, MONDO:0008078, OMIM 162210. Disease mechanism: loss of function.
Neurofibromatosis-Noonan syndrome (NFNS). Also called: NEUROFIBROMATOSIS WITH NOONAN PHENOTYPE. Identifiers: Orphanet 638, MedGen C2931482, MONDO:0011035, OMIM 601321. Disease mechanism: loss of function.
Café-au-lait macules with pulmonary stenosis (WTSN). Also called: PULMONIC STENOSIS WITH CAFE-AU-LAIT SPOTS. Identifiers: MedGen C0553586, MONDO:0008672, OMIM 193520.
Neurofibromatosis, type 1 (NF1). Also called: Peripheral type neurofibromatosis; Neurofibromatosis, type I; VON RECKLINGHAUSEN DISEASE; NEUROFIBROMATOSIS, TYPE I, SOMATIC. Identifiers: Orphanet 636, MedGen C0027831, MONDO:0018975, OMIM 162200. Disease mechanism: loss of function.

Allele frequency attached by ClinVar (database versions not stated): gnomAD exomes 0.00001; TOPMed 0.00001; gnomAD 0.00001.
gnomAD v4.1: 16 of 1,612,140 alleles (0.00099%); highest among the groups gnomAD compares: Non-Finnish European, 0.0014%; no homozygotes.

Submissions (6):

Myriad Genetics, Inc.
Classification: Likely benign for Neurofibromatosis, type 1. Last evaluated: 2026-05-13. Review status: criteria provided, single submitter. Criteria: Myriad Autosomal Dominant, Autosomal Recessive and X-Linked Classification Criteria (2023). Collection method: clinical testing. Allele origin: unknown.
Comment: This variant is considered likely benign. This variant is intronic and is not expected to impact mRNA splicing.

Labcorp Genetics (formerly Invitae), Labcorp
Classification: Likely benign for Neurofibromatosis, type 1. Last evaluated: 2026-01-21. Review status: criteria provided, single submitter. Criteria: Invitae Variant Classification Sherloc (09022015). Collection method: clinical testing. Allele origin: germline.

Illumina Laboratory Services, Illumina
Classification: Uncertain significance for Café-au-lait macules with pulmonary stenosis. Last evaluated: 2018-02-09. Review status: criteria provided, single submitter. Criteria: ICSL Variant Classification Criteria 13 December 2019. Collection method: clinical testing. Allele origin: germline.

Illumina Laboratory Services, Illumina
Classification: Uncertain significance for Neurofibromatosis, familial spinal. Last evaluated: 2018-02-09. Review status: criteria provided, single submitter. Criteria: ICSL Variant Classification Criteria 13 December 2019. Collection method: clinical testing. Allele origin: germline.

Illumina Laboratory Services, Illumina
Classification: Uncertain significance for Neurofibromatosis-Noonan syndrome. Last evaluated: 2018-02-09. Review status: criteria provided, single submitter. Criteria: ICSL Variant Classification Criteria 13 December 2019. Collection method: clinical testing. Allele origin: germline.

Illumina Laboratory Services, Illumina
Classification: Uncertain significance for Neurofibromatosis, type 1. Last evaluated: 2018-02-09. Review status: criteria provided, single submitter. Criteria: ICSL Variant Classification Criteria 13 December 2019. Collection method: clinical testing. Allele origin: germline.

NM_001042492.3(NF1):c.7616-15A>C

Gene: NF1 (neurofibromin 1; plus strand). Cytogenetic location: 17q11.2.
Variant type: single nucleotide variant.
Coding change: c.7616-15A>C on transcript NM_001042492.3 (MANE Select); 15 bases into the intron before coding-DNA position 7616, A replaced by C.
Molecular consequence: intron variant.
Genome position (GRCh38, 1-based): chr17:31,356,445, A>C. VCF-style: chr17-31356445-A-C. GRCh37 (hg19) VCF-style: chr17-29683463-A-C.
Other names: c.7553-15A>C (NM_000267.4).
Identifiers: ClinVar variation 889704 (VCV000889704.12), dbSNP rs952554990, ClinGen allele CA289406779.